The following is an entry in ClinVar:

NM_020366.4(RPGRIP1):c.1589G>A (p.Arg530His)

Gene: RPGRIP1 (RPGR interacting protein 1; plus strand). Cytogenetic location: 14q11.2.
Variant type: single nucleotide variant.
Coding change: c.1589G>A on transcript NM_020366.4 (MANE Select); coding-DNA position 1589, G replaced by A.
Protein change: p.Arg530His; replaces arginine 530 with histidine.
Molecular consequence: missense variant.
Genome position (GRCh38, 1-based): chr14:21,321,380, G>A. VCF-style: chr14-21321380-G-A. GRCh37 (hg19) VCF-style: chr14-21789539-G-A.
Other names: c.515G>A, p.Arg172His (NM_001377523.1, NM_001377948.1, NM_001377949.1 and 1 more transcripts); c.17G>A, p.Arg6His (NM_001377951.1); short protein forms R172H, R530H, R6H.
Identifiers: ClinVar variation 1315334 (VCV001315334.2), dbSNP rs367767674, ClinGen allele CA7089013.

ClinVar aggregate classification (germline): Uncertain significance (1 of 4 stars; one submission).

Allele frequency attached by ClinVar (database versions not stated): gnomAD exomes below 0.00001 and 0.00001; ExAC 0.00002; ESP Exome Variant Server 0.00008.

Submission:

GeneDx
Classification: Uncertain significance. Last evaluated: 2020-02-03. Review status: criteria provided, single submitter. Criteria: GeneDx Variant Classification Process June 2021. Collection method: clinical testing. Allele origin: germline. Affected: yes.
Comment: Not observed at a significant frequency in large population cohorts (Lek et al., 2016); In silico analysis supports that this missense variant does not alter protein structure/function; Has not been previously published as pathogenic or benign to our knowledge